The following is an entry in ClinVar:

ClinVar aggregate classification (germline): Uncertain significance (1 of 4 stars; one submission).

Conditions:
Primary dilated cardiomyopathy (DCM). Also called: Dilated Cardiomyopathy. Identifiers: Orphanet 217604, MedGen C0007193, MeSH D002311, MONDO:0005021, HP:0001644. Inheritance: Various modes of inheritance.

Submission:

Labcorp Genetics (formerly Invitae), Labcorp
Classification: Uncertain significance for Primary dilated cardiomyopathy. Last evaluated: 2025-01-12. Review status: criteria provided, single submitter. Criteria: Invitae Variant Classification Sherloc (09022015). Collection method: clinical testing. Allele origin: germline.
Comment: This sequence change falls in intron 7 of the TXNRD2 gene. It does not directly change the encoded amino acid sequence of the TXNRD2 protein. It affects a nucleotide within the consensus splice site. This variant is present in population databases (rs764491564, gnomAD 0.02%). This variant has not been reported in the literature in individuals affected with TXNRD2-related conditions. ClinVar contains an entry for this variant (Variation ID: 3011687). Variants that disrupt the consensus splice site are a relatively common cause of aberrant splicing (PMID: 17576681, 9536098). Algorithms developed to predict the effect of sequence changes on RNA splicing suggest that this variant may disrupt the consensus splice site. In summary, the available evidence is currently insufficient to determine the role of this variant in disease. Therefore, it has been classified as a Variant of Uncertain Significance.

Literature cited by the submitters: PubMed 17576681; PubMed 9536098.

NM_006440.5(TXNRD2):c.591+4_591+5del

Gene: TXNRD2 (thioredoxin reductase 2; minus strand). Cytogenetic location: 22q11.21.
Variant type: Deletion.
Coding change: c.591+4_591+5del on transcript NM_006440.5 (MANE Select); bases 4 to 5 of the intron after coding-DNA position 591, 2 bases deleted (AG; older notation c.591+4_591+5delAG).
Molecular consequence: intron variant.
Genome position (GRCh38, 1-based): chr22:19,915,209-19,915,210, CT deleted on the plus strand (AG on the coding strand, the reverse complement: TXNRD2 is on the minus strand); deleting any 2 consecutive bases within chr22:19,915,209-19,915,211 gives the same sequence; the c. name uses the placement nearest the transcript's 3' end. VCF-style (leftmost placement, unchanged base first): chr22-19915208-ACT-A. GRCh37 (hg19) VCF-style: chr22-19902731-ACT-A.
Other names: c.303+4_303+5del (NM_001352302.2); c.501+4_501+5del (NM_001352301.2); c.591+4_591+5del (NM_001282512.3); c.495+4_495+5del (NM_001352303.2); c.588+4_588+5del (NM_001352300.2).
Identifiers: ClinVar variation 3011687 (VCV003011687.3), dbSNP rs764491564, ClinGen allele CA10104116.